The following is an entry in ClinVar:

NM_000257.4(MYH7):c.2587C>A (p.Leu863Ile)

Genes: MYH7 (myosin heavy chain 7; minus strand), LOC126861898 (BRD4-independent group 4 enhancer GRCh37_chr14:23893609-23894808; plus strand). Cytogenetic location: 14q11.2.
Variant type: single nucleotide variant.
Coding change: c.2587C>A on transcript NM_000257.4 (MANE Select); coding-DNA position 2587, C replaced by A.
Protein change: p.Leu863Ile; replaces leucine 863 with isoleucine.
Molecular consequence: missense variant.
Genome position (GRCh38, 1-based): chr14:23,424,861, G>T on the plus strand (C>A on the coding strand, the complement: MYH7 is on the minus strand). VCF-style: chr14-23424861-G-T. GRCh37 (hg19) VCF-style: chr14-23894070-G-T.
Other names: short protein forms L863I.
Identifiers: ClinVar variation 919581 (VCV000919581.6), dbSNP rs1595082485, ClinGen allele CA389048082.

ClinVar aggregate classification (germline): Uncertain significance. Review status: criteria provided, multiple submitters, no conflicts (2 of 4 stars). 2 submissions from 2 submitters: Uncertain significance (2). Last evaluated 2024-03-06.

Conditions:
Cardiomyopathy (CMYO). Also called: Cardiomyopathies. Identifiers: Orphanet 167848, MedGen C0878544, MONDO:0004994, HP:0001638. Inheritance: Various modes of inheritance.

Submissions (2):

Color Diagnostics, LLC DBA Color Health
Classification: Uncertain significance for Cardiomyopathy. Last evaluated: 2024-03-06. Review status: criteria provided, single submitter. Criteria: ACMG Guidelines, 2015. Collection method: clinical testing. Allele origin: germline.
Comment: This missense variant replaces leucine with isoleucine at codon 863 of the MYH7 protein. Computational prediction tool indicates that this variant may have a neutral impact on protein structure and function. To our knowledge, functional studies have not been reported for this variant. This variant has not been reported in individuals affected with MYH7-related disorders in the literature. This variant has not been identified in the general population by the Genome Aggregation Database (gnomAD). The available evidence is insufficient to determine the role of this variant in disease conclusively. Therefore, this variant is classified as a Variant of Uncertain Significance.

All of Us Research Program, National Institutes of Health
Classification: Uncertain significance for Cardiomyopathy. Last evaluated: 2023-12-18. Review status: criteria provided, single submitter. Criteria: ACMG Guidelines, 2015. Collection method: clinical testing. Allele origin: germline. Inheritance: Autosomal dominant inheritance. Observed: 1 variant allele, 1 heterozygote.
Comment: This missense variant replaces leucine with isoleucine at codon 863 of the MYH7 protein. Computational prediction tool indicates that this variant may have a neutral impact on protein structure and function. To our knowledge, functional studies have not been reported for this variant. This variant has not been reported in individuals affected with MYH7-related disorders in the literature. This variant has not been identified in the general population by the Genome Aggregation Database (gnomAD). The available evidence is insufficient to determine the role of this variant in disease conclusively. Therefore, this variant is classified as a Variant of Uncertain Significance.

This study involves interpretation of variants in research participants for the purpose of population health screening. Participant phenotype was not available at the time of variant classification. Additional details can be found in publication PMID: 35346344, PMCID: PMC8962531